The following is an entry in ClinVar:

NM_000539.3(RHO):c.560G>T (p.Cys187Phe)

Gene: RHO (rhodopsin; plus strand). Cytogenetic location: 3q22.1.
Variant type: single nucleotide variant.
Coding change: c.560G>T on transcript NM_000539.3 (MANE Select); coding-DNA position 560, G replaced by T.
Protein change: p.Cys187Phe; replaces cysteine 187 with phenylalanine.
Molecular consequence: missense variant.
Genome position (GRCh38, 1-based): chr3:129,532,280, G>T. VCF-style: chr3-129532280-G-T. GRCh37 (hg19) VCF-style: chr3-129251123-G-T.
Other names: short protein forms C187F.
Identifiers: ClinVar variation 866537 (VCV000866537.9), dbSNP rs1578280588, ClinGen allele CA354499242.

ClinVar aggregate classification (germline): Likely pathogenic. Review status: criteria provided, multiple submitters, no conflicts (2 of 4 stars). 3 submissions from 3 submitters: Likely pathogenic (3). Last evaluated 2022-08-25.

Conditions:
RHO-related disorder. Also called: RHO-related condition.
Retinitis pigmentosa 4 (RP4). Also called: RETINITIS PIGMENTOSA, RHODOPSIN-RELATED. Identifiers: Orphanet 791, MedGen C3151001, MONDO:0013395, OMIM 613731.

Submissions (3):

Labcorp Genetics (formerly Invitae), Labcorp
Classification: Likely pathogenic. Last evaluated: 2022-08-25. Review status: criteria provided, single submitter. Criteria: Invitae Variant Classification Sherloc (09022015). Collection method: clinical testing. Allele origin: germline.
Comment: This sequence change replaces cysteine, which is neutral and slightly polar, with phenylalanine, which is neutral and non-polar, at codon 187 of the RHO protein (p.Cys187Phe). This variant is not present in population databases (gnomAD no frequency). This missense change has been observed in individual(s) with autosomal dominant retinitis pigmentosa (PMID: 31877679). ClinVar contains an entry for this variant (Variation ID: 866537). Advanced modeling of protein sequence and biophysical properties (such as structural, functional, and spatial information, amino acid conservation, physicochemical variation, residue mobility, and thermodynamic stability) performed at Invitae indicates that this missense variant is expected to disrupt RHO protein function. This variant disrupts the p.Cys187 amino acid residue in RHO. Other variant(s) that disrupt this residue have been determined to be pathogenic (PMID: 7724183, 26962691). This suggests that this residue is clinically significant, and that variants that disrupt this residue are likely to be disease-causing. In summary, the currently available evidence indicates that the variant is pathogenic, but additional data are needed to prove that conclusively. Therefore, this variant has been classified as Likely Pathogenic.

Centre for Genomic Medicine, Manchester, Central Manchester University Hospitals
Classification: Likely pathogenic for Retinitis pigmentosa 4. Last evaluated: 2020-09-01. Review status: criteria provided, single submitter. Criteria: ACMG Guidelines, 2015. Collection method: clinical testing. Allele origin: germline. Affected: yes. Observed: 2 heterozygotes.

Blueprint Genetics
Classification: Likely pathogenic for RHO-related disorders. Last evaluated: 2019-01-17. Review status: criteria provided, single submitter. Criteria: ACMG Guidelines, 2015. Collection method: clinical testing. Allele origin: germline. Affected: yes. Observed: 2 variant alleles.

Literature cited by the submitters: PubMed 31877679 (cited by Labcorp Genetics (formerly Invitae), Labcorp); PubMed 7724183 (cited by Labcorp Genetics (formerly Invitae), Labcorp); PubMed 26962691 (cited by Labcorp Genetics (formerly Invitae), Labcorp).